The following is an entry in ClinVar:

NM_003562.5(SLC25A11):c.857A>G (p.Tyr286Cys)

Gene: SLC25A11 (solute carrier family 25 member 11; minus strand). Cytogenetic location: 17p13.2.
Variant type: single nucleotide variant.
Coding change: c.857A>G on transcript NM_003562.5 (MANE Select); coding-DNA position 857, A replaced by G.
Protein change: p.Tyr286Cys; replaces tyrosine 286 with cysteine.
Molecular consequence: missense variant.
Genome position (GRCh38, 1-based): chr17:4,937,829, T>C on the plus strand (A>G on the coding strand, the complement: SLC25A11 is on the minus strand). VCF-style: chr17-4937829-T-C. GRCh37 (hg19) VCF-style: chr17-4841124-T-C.
Other names: c.824A>G, p.Tyr275Cys (NM_001165417.2); c.704A>G, p.Tyr235Cys (NM_001165418.2); short protein forms Y275C, Y235C, Y286C.
Identifiers: ClinVar variation 3708096 (VCV003708096.2).

ClinVar aggregate classification (germline): Uncertain significance (1 of 4 stars; one submission).

gnomAD v4.1: 2 of 1,614,154 alleles (0.00012%); highest among the groups gnomAD compares: Non-Finnish European, 0.000085%; no homozygotes.

Submission:

Labcorp Genetics (formerly Invitae), Labcorp
Classification: Uncertain significance. Last evaluated: 2024-10-02. Review status: criteria provided, single submitter. Criteria: Invitae Variant Classification Sherloc (09022015). Collection method: clinical testing. Allele origin: germline.
Comment: This sequence change replaces tyrosine, which is neutral and polar, with cysteine, which is neutral and slightly polar, at codon 286 of the SLC25A11 protein (p.Tyr286Cys). This variant is present in population databases (rs765623878, gnomAD 0.01%). This variant has not been reported in the literature in individuals affected with SLC25A11-related conditions. Experimental studies and prediction algorithms are not available or were not evaluated, and the functional significance of this variant is currently unknown. In summary, the available evidence is currently insufficient to determine the role of this variant in disease. Therefore, it has been classified as a Variant of Uncertain Significance.